The following is an entry in ClinVar:

ClinVar aggregate classification (germline): Uncertain significance. Review status: criteria provided, multiple submitters, no conflicts (2 of 4 stars). 2 submissions from 2 submitters: Uncertain significance (2). Last evaluated 2026-01-28.

Conditions:
Hereditary cancer-predisposing syndrome. Also called: Hereditary Cancer Syndrome; Hereditary neoplastic syndrome; Neoplastic Syndromes, Hereditary; Tumor predisposition. Identifiers: Orphanet 140162, MedGen C0027672, MeSH D009386, MONDO:0015356.

Allele frequency attached by ClinVar (database versions not stated): gnomAD exomes 0.00001; TOPMed 0.00001.
gnomAD v4.1: 5 of 1,614,164 alleles (0.00031%); highest among the groups gnomAD compares: East Asian, 0.0022%; no homozygotes.

Submissions (2):

Labcorp Genetics (formerly Invitae), Labcorp
Classification: Uncertain significance. Last evaluated: 2026-01-28. Review status: criteria provided, single submitter. Criteria: Invitae Variant Classification Sherloc (09022015). Collection method: clinical testing. Allele origin: germline.
Comment: This sequence change replaces arginine, which is basic and polar, with histidine, which is basic and polar, at codon 231 of the POLE protein (p.Arg231His). This variant is present in population databases (no rsID available, gnomAD 0.006%). This variant has not been reported in the literature in individuals affected with POLE-related conditions. ClinVar contains an entry for this variant (Variation ID: 405750). Invitae Evidence Modeling of protein sequence and biophysical properties (such as structural, functional, and spatial information, amino acid conservation, physicochemical variation, residue mobility, and thermodynamic stability) indicates that this missense variant is expected to disrupt POLE protein function with a positive predictive value of 80%. In summary, the available evidence is currently insufficient to determine the role of this variant in disease. Therefore, it has been classified as a Variant of Uncertain Significance.

Ambry Genetics
Classification: Uncertain significance for Hereditary cancer-predisposing syndrome. Last evaluated: 2025-04-16. Review status: criteria provided, single submitter. Criteria: Ambry Variant Classification Scheme 2023. Collection method: clinical testing. Allele origin: germline.
Comment: The p.R231H variant (also known as c.692G>A), located in coding exon 7 of the POLE gene, results from a G to A substitution at nucleotide position 692. The arginine at codon 231 is replaced by histidine, an amino acid with highly similar properties. This amino acid position is highly conserved in available vertebrate species. In addition, this alteration is predicted to be deleterious by in silico analysis. Based on the available evidence, the clinical significance of this variant remains unclear.

NM_006231.4(POLE):c.692G>A (p.Arg231His)

Gene: POLE (DNA polymerase epsilon, catalytic subunit; minus strand). Cytogenetic location: 12q24.33.
Variant type: single nucleotide variant.
Coding change: c.692G>A on transcript NM_006231.4 (MANE Select); coding-DNA position 692, G replaced by A.
Protein change: p.Arg231His; replaces arginine 231 with histidine.
Molecular consequence: missense variant.
Genome position (GRCh38, 1-based): chr12:132,677,606, C>T on the plus strand (G>A on the coding strand, the complement: POLE is on the minus strand). VCF-style: chr12-132677606-C-T. GRCh37 (hg19) VCF-style: chr12-133254192-C-T.
Other names: c.692G>A (NM_006231.2); short protein forms R231H.
Identifiers: ClinVar variation 405750 (VCV000405750.9), dbSNP rs1060500835, ClinGen allele CA16613737.